The following is an entry in ClinVar:

NM_001037333.3(CYFIP2):c.3625A>T (p.Lys1209Ter)

Genes: NIPAL4-DT (NIPAL4 divergent transcript; minus strand), CYFIP2 (cytoplasmic FMR1 interacting protein 2; plus strand). Cytogenetic location: 5q33.3.
Variant type: single nucleotide variant.
Coding change: c.3625A>T on transcript NM_001037333.3 (MANE Select); coding-DNA position 3625, A replaced by T.
Protein change: p.Lys1209Ter; replaces lysine 1209 with a stop codon.
Molecular consequence: nonsense.
Genome position (GRCh38, 1-based): chr5:157,392,863, A>T. VCF-style: chr5-157392863-A-T. GRCh37 (hg19) VCF-style: chr5-156819871-A-T.
Other names: c.3547A>T, p.Lys1183Ter (NM_001291721.2); c.3700A>T, p.Lys1234Ter (NM_001291722.2); c.3625A>T, p.Lys1209Ter (NM_014376.4); short protein forms K1183*, K1234*, K1209*.
Identifiers: ClinVar variation 1507302 (VCV001507302.8), dbSNP rs2113571557, ClinGen allele CA361983444.

ClinVar aggregate classification (germline): Uncertain significance (1 of 4 stars; one submission).

Submission:

Labcorp Genetics (formerly Invitae), Labcorp
Classification: Uncertain significance. Last evaluated: 2021-04-17. Review status: criteria provided, single submitter. Criteria: Invitae Variant Classification Sherloc (09022015). Collection method: clinical testing. Allele origin: germline.
Comment: This variant is not present in population databases (ExAC no frequency). This sequence change creates a premature translational stop signal (p.Lys1209*) in the CYFIP2 gene. While this is not anticipated to result in nonsense mediated decay, it is expected to disrupt the last 45 amino acid(s) of the CYFIP2 protein. Algorithms developed to predict the effect of sequence changes on RNA splicing suggest that this variant may create or strengthen a splice site, but this prediction has not been confirmed by published transcriptional studies. In summary, the available evidence is currently insufficient to determine the role of this variant in disease. Therefore, it has been classified as a Variant of Uncertain Significance. This variant has not been reported in the literature in individuals with CYFIP2-related conditions.